The following is an entry in ClinVar:

NM_000213.5(ITGB4):c.2503C>G (p.Pro835Ala)

Gene: ITGB4 (integrin subunit beta 4; plus strand). Cytogenetic location: 17q25.1.
Variant type: single nucleotide variant.
Coding change: c.2503C>G on transcript NM_000213.5 (MANE Select); coding-DNA position 2503, C replaced by G.
Protein change: p.Pro835Ala; replaces proline 835 with alanine.
Molecular consequence: missense variant.
Genome position (GRCh38, 1-based): chr17:75,740,414, C>G. VCF-style: chr17-75740414-C-G. GRCh37 (hg19) VCF-style: chr17-73736495-C-G.
Other names: c.2503C>G, p.Pro835Ala (NM_001005619.2, NM_001005731.3, NM_001321123.2); short protein forms P835A.
Identifiers: ClinVar variation 325163 (VCV000325163.10), dbSNP rs183705877, ClinGen allele CA8769425.

ClinVar aggregate classification (germline): Likely benign. Review status: criteria provided, multiple submitters, no conflicts (2 of 4 stars). 3 submissions from 3 submitters: Likely benign (3). Last evaluated 2025-12-03.

Conditions:
Junctional epidermolysis bullosa with pyloric atresia. Also called: ITGB4-Related Epidermolysis Bullosa with Pyloric Atresia; ITGA6-Related Epidermolysis Bullosa with Pyloric Atresia; EPIDERMOLYSIS BULLOSA, JUNCTIONAL 5B, WITH PYLORIC ATRESIA; APLASIA CUTIS CONGENITA WITH GASTROINTESTINAL ATRESIA; CARMI SYNDROME; EB-PA-ACC. Identifiers: Orphanet 79403, MedGen C5676875, MONDO:0009183, OMIM 226730.
Epidermolysis bullosa, junctional 5A, intermediate. Also called: EPIDERMOLYSIS BULLOSA, JUNCTIONAL 5A, GENERALIZED INTERMEDIATE; EPIDERMOLYSIS BULLOSA, JUNCTIONAL 5A, NON-HERLITZ TYPE. Identifiers: MedGen C5676956, MONDO:0030768, OMIM 619816.

Allele frequency attached by ClinVar (database versions not stated): gnomAD 0.00029; TOPMed 0.00033; 1000 Genomes Project 30x 0.00047; 1000 Genomes Project 0.00060.
gnomAD v4.1: 238 of 1,613,912 alleles (0.015%); highest among the groups gnomAD compares: East Asian, 0.45%; no homozygotes.

Submissions (3):

Labcorp Genetics (formerly Invitae), Labcorp
Classification: Likely benign. Last evaluated: 2025-12-03. Review status: criteria provided, single submitter. Criteria: Invitae Variant Classification Sherloc (09022015). Collection method: clinical testing. Allele origin: germline.

Fulgent Genetics
Classification: Likely benign for Junctional epidermolysis bullosa with pyloric atresia; Epidermolysis bullosa, junctional 5A, intermediate. Last evaluated: 2021-11-02. Review status: criteria provided, single submitter. Criteria: ACMG Guidelines, 2015. Collection method: clinical testing. Allele origin: unknown.

Illumina Laboratory Services, Illumina
Classification: Likely benign for Junctional epidermolysis bullosa with pyloric atresia. Last evaluated: 2018-01-12. Review status: criteria provided, single submitter. Criteria: ICSL Variant Classification Criteria 13 December 2019. Collection method: clinical testing. Allele origin: germline.
Comment: This variant was observed in the ICSL laboratory as part of a predisposition screen in an ostensibly healthy population. It had not been previously curated by ICSL or reported in the Human Gene Mutation Database (HGMD: prior to June 1st, 2018), and was therefore a candidate for classification through an automated scoring system. Utilizing variant allele frequency, disease prevalence and penetrance estimates, and inheritance mode, an automated score was calculated to assess if this variant is too frequent to cause the disease. Based on the score and internal cut-off values, a variant classified as likely benign is not then subjected to further curation. The score for this variant resulted in a classification of likely benign for this disease.